The following is an entry in ClinVar:

NM_019594.4(LRRC8A):c.2345G>A (p.Ser782Asn)

Gene: LRRC8A (leucine rich repeat containing 8 VRAC subunit A; plus strand). Cytogenetic location: 9q34.11.
Variant type: single nucleotide variant.
Coding change: c.2345G>A on transcript NM_019594.4 (MANE Select); coding-DNA position 2345, G replaced by A.
Protein change: p.Ser782Asn; replaces serine 782 with asparagine.
Molecular consequence: missense variant.
Genome position (GRCh38, 1-based): chr9:128,916,283, G>A. VCF-style: chr9-128916283-G-A. GRCh37 (hg19) VCF-style: chr9-131678562-G-A.
Other names: c.2345G>A, p.Ser782Asn (NM_001127244.2, NM_001127245.2); short protein forms S782N.
Identifiers: ClinVar variation 3684625 (VCV003684625.2).

ClinVar aggregate classification (germline): Uncertain significance (1 of 4 stars; one submission).

Submission:

Labcorp Genetics (formerly Invitae), Labcorp
Classification: Uncertain significance. Last evaluated: 2025-12-19. Review status: criteria provided, single submitter. Criteria: Invitae Variant Classification Sherloc (09022015). Collection method: clinical testing. Allele origin: germline.
Comment: This sequence change replaces serine, which is neutral and polar, with asparagine, which is neutral and polar, at codon 782 of the LRRC8A protein (p.Ser782Asn). This variant is not present in population databases (gnomAD no frequency). This variant has not been reported in the literature in individuals affected with LRRC8A-related conditions. ClinVar contains an entry for this variant (Variation ID: 3684625). An algorithm developed to predict the effect of missense changes on protein structure and function (PolyPhen-2) suggests that this variant is likely to be tolerated. In summary, the available evidence is currently insufficient to determine the role of this variant in disease. Therefore, it has been classified as a Variant of Uncertain Significance.